The following is an entry in ClinVar:

ClinVar aggregate classification (germline): Likely pathogenic. Review status: criteria provided, multiple submitters, no conflicts (2 of 4 stars). 2 submissions from 2 submitters: Likely pathogenic (2). Last evaluated 2025-03-13.

Conditions:
GLDC-related disorders.
Glycine encephalopathy. Also called: Non-ketotic hyperglycinemia; Nonketotic hyperglycinemia. Identifiers: Orphanet 407, MedGen C0751748, MONDO:0011612, HP:0008288.

Submissions (2):

Natera, Inc.
Classification: Likely pathogenic for Non-ketotic hyperglycinemia. Last evaluated: 2025-03-13. Review status: criteria provided, single submitter. Criteria: Natera Variant Classification Schema (03/2026). Collection method: clinical testing. Allele origin: germline.
Comment: The c.214dup variant in GLDC is a frameshift variant predicted to shift the reading frame beginning at codon 72 and leads to a stop codon 17 codons downstream. This variant is expected to result in nonsense mediated decay, truncation, or a dysfunctional protein product. This variant is rare in the general population with a frequency below the threshold expected for the associated phenotype(s). Given the available evidence, this variant is classified as Likely Pathogenic.

Blueprint Genetics
Classification: Likely pathogenic for GLDC-related disorders. Last evaluated: 2020-02-19. Review status: criteria provided, single submitter. Criteria: ACMG Guidelines, 2015. Collection method: clinical testing. Allele origin: germline. Affected: yes. Observed: 2 variant alleles.

NM_000170.3(GLDC):c.214dup (p.Asp72fs)

Gene: GLDC (glycine decarboxylase; minus strand). Cytogenetic location: 9p24.1.
Variant type: Duplication.
Coding change: c.214dup on transcript NM_000170.3 (MANE Select); coding-DNA position 214, one base duplicated (G; older notation c.214dupG).
Protein change: p.Asp72fs; shifts the reading frame from aspartic acid 72.
Molecular consequence: frameshift variant.
Genome position (GRCh38, 1-based): chr9:6,645,286, C duplicated on the plus strand (G on the coding strand, the reverse complement: GLDC is on the minus strand); the first of 4 consecutive C bases (chr9:6,645,286-6,645,289); duplicating any one gives the same sequence. VCF-style (leftmost placement, unchanged base first): chr9-6645285-T-TC. GRCh37 (hg19) VCF-style: chr9-6645285-T-TC.
Other names: c.214dup (NM_000170.2); short protein forms D72fs.
Identifiers: ClinVar variation 4068684 (VCV004068684.3).